The following is an entry in ClinVar:

ClinVar aggregate classification (germline): Uncertain significance. Review status: criteria provided, multiple submitters, no conflicts (2 of 4 stars). 2 submissions from 2 submitters: Uncertain significance (2). Last evaluated 2025-02-18.

Conditions:
Inborn genetic diseases. Identifiers: MedGen C0950123, MeSH D030342.

Allele frequency attached by ClinVar (database versions not stated): gnomAD exomes 0.00001; gnomAD 0.00001.
gnomAD v4.1: 19 of 1,613,988 alleles (0.0012%); highest among the groups gnomAD compares: Non-Finnish European, 0.0014%; no homozygotes.

Submissions (2):

GeneDx
Classification: Uncertain significance. Last evaluated: 2025-02-18. Review status: criteria provided, single submitter. Criteria: GeneDx Variant Classification Process June 2021. Collection method: clinical testing. Allele origin: germline. Affected: yes.
Comment: Not observed at significant frequency in large population cohorts (gnomAD); In silico analysis supports that this missense variant has a deleterious effect on protein structure/function; Has not been previously published as pathogenic or benign to our knowledge

Ambry Genetics
Classification: Uncertain significance for Inborn genetic diseases. Last evaluated: 2023-09-13. Review status: criteria provided, single submitter. Criteria: Ambry Variant Classification Scheme 2023. Collection method: clinical testing. Allele origin: germline.

NM_005559.4(LAMA1):c.3748G>A (p.Gly1250Ser)

Gene: LAMA1 (laminin subunit alpha 1; minus strand). Cytogenetic location: 18p11.31.
Variant type: single nucleotide variant.
Coding change: c.3748G>A on transcript NM_005559.4 (MANE Select); coding-DNA position 3748, G replaced by A.
Protein change: p.Gly1250Ser; replaces glycine 1250 with serine.
Molecular consequence: missense variant.
Genome position (GRCh38, 1-based): chr18:7,010,325, C>T on the plus strand (G>A on the coding strand, the complement: LAMA1 is on the minus strand). VCF-style: chr18-7010325-C-T. GRCh37 (hg19) VCF-style: chr18-7010324-C-T.
Other names: short protein forms G1250S.
Identifiers: ClinVar variation 2623536 (VCV002623536.3), dbSNP rs1349749576, ClinGen allele CA401848392.